The following is an entry in ClinVar:

NM_002529.4(NTRK1):c.989_990del (p.Thr330fs)

Gene: NTRK1 (neurotrophic receptor tyrosine kinase 1; plus strand). Cytogenetic location: 1q23.1.
Variant type: Deletion.
Coding change: c.989_990del on transcript NM_002529.4 (MANE Select); coding-DNA positions 989 to 990, 2 bases deleted (CT; older notation c.989_990delCT).
Protein change: p.Thr330fs; shifts the reading frame from threonine 330.
Molecular consequence: frameshift variant.
Genome position (GRCh38, 1-based): chr1:156,873,771-156,873,772, CT deleted. VCF-style (leftmost placement, unchanged base first): chr1-156873770-ACT-A. GRCh37 (hg19) VCF-style: chr1-156843562-ACT-A.
Other names: c.899_900del, p.Thr300fs (NM_001007792.1); c.989_990del, p.Thr330fs (NM_001012331.2); short protein forms T300fs, T330fs.
Identifiers: ClinVar variation 1073488 (VCV001073488.7), dbSNP rs2102905446, ClinGen allele CA2499214227.

ClinVar aggregate classification (germline): Pathogenic (1 of 4 stars; one submission).

Conditions:
Hereditary insensitivity to pain with anhidrosis (CIPA). Also called: hereditary sensory and autonomic neuropathy type 4; NEUROPATHY, CONGENITAL SENSORY, WITH ANHIDROSIS; NTRK1 Congenital Insensitivity to Pain with Anhidrosis; INSENSITIVITY TO PAIN, CONGENITAL, WITH ANHIDROSIS; HSAN Type IV; FAMILIAL DYSAUTONOMIA, TYPE II. Identifiers: Orphanet 642, MedGen C0020074, MONDO:0009746, OMIM 256800.

Allele frequency attached by ClinVar (database versions not stated): gnomAD exomes below 0.00001.

Submission:

Labcorp Genetics (formerly Invitae), Labcorp
Classification: Pathogenic for Hereditary insensitivity to pain with anhidrosis. Last evaluated: 2020-03-18. Review status: criteria provided, single submitter. Criteria: Invitae Variant Classification Sherloc (09022015). Collection method: clinical testing. Allele origin: germline.
Comment: Loss-of-function variants in NTRK1 are known to be pathogenic (PMID: 10982191). This sequence change creates a premature translational stop signal (p.Thr330Argfs*9) in the NTRK1 gene. It is expected to result in an absent or disrupted protein product. This variant is not present in population databases (ExAC no frequency). This variant has not been reported in the literature in individuals with NTRK1-related conditions. Algorithms developed to predict the effect of sequence changes on RNA splicing suggest that this variant may create or strengthen a splice site, but this prediction has not been confirmed by published transcriptional studies. For these reasons, this variant has been classified as Pathogenic.

Literature cited by the submitters: PubMed 10982191.